The following is an entry in ClinVar:

ClinVar aggregate classification (germline): Uncertain significance (1 of 4 stars; one submission).

Allele frequency attached by ClinVar (database versions not stated): ExAC 0.00001; gnomAD exomes 0.00001; TOPMed 0.00001; gnomAD 0.00002; 1000 Genomes Project 30x 0.00016; 1000 Genomes Project 0.00020.
gnomAD v4.1: 15 of 1,596,946 alleles (0.00094%); highest among the groups gnomAD compares: African/African-American, 0.011%; no homozygotes.

Submission:

Ambry Genetics
Classification: Uncertain significance. Last evaluated: 2024-01-29. Review status: criteria provided, single submitter. Criteria: Ambry Variant Classification Scheme 2023. Collection method: clinical testing. Allele origin: germline.
Comment: The p.H344R variant (also known as c.1031A>G), located in coding exon 10 of the SLMAP gene, results from an A to G substitution at nucleotide position 1031. The histidine at codon 344 is replaced by arginine, an amino acid with highly similar properties. This amino acid position is conserved. In addition, this alteration is predicted to be tolerated by in silico analysis. Based on the available evidence, the clinical significance of this alteration remains unclear.

NM_001377540.1(SLMAP):c.1031A>G (p.His344Arg)

Gene: SLMAP (sarcolemma associated protein; plus strand). Cytogenetic location: 3p14.3.
Variant type: single nucleotide variant.
Coding change: c.1031A>G on transcript NM_001377540.1 (MANE Select); coding-DNA position 1031, A replaced by G.
Protein change: p.His344Arg; replaces histidine 344 with arginine.
Molecular consequence: missense variant. On other transcripts: non-coding transcript variant (1).
Genome position (GRCh38, 1-based): chr3:57,864,612, A>G. VCF-style: chr3-57864612-A-G. GRCh37 (hg19) VCF-style: chr3-57850339-A-G.
Other names: c.1031A>G, p.His344Arg (NM_001304420.3, NM_001304421.2, NM_001377538.1 and 17 more transcripts); short protein forms H344R.
Identifiers: ClinVar variation 3225992 (VCV003225992.1), dbSNP rs532870986, ClinGen allele CA2466992.